The following is an entry in ClinVar:

ClinVar aggregate classification (germline): Likely pathogenic (1 of 4 stars; one submission).

gnomAD v4.1: 2 of 1,613,100 alleles (0.00012%); highest among the groups gnomAD compares: African/African-American, 0.0027%; no homozygotes.

Submission:

Mayo Clinic Laboratories, Mayo Clinic
Classification: Likely pathogenic. Last evaluated: 2025-04-18. Review status: criteria provided, single submitter. Criteria: ACMG Guidelines, 2015. Collection method: clinical testing. Allele origin: germline. Observed: 1 variant allele.
Comment: PP3, PM1, PM2_supporting, PM5

Literature cited by the submitters: PubMed 31254973; PubMed 32717757.

NM_000312.4(PROC):c.1194C>G (p.Cys398Trp)

Gene: PROC (protein C, inactivator of coagulation factors Va and VIIIa; plus strand). Cytogenetic location: 2q14.3.
Variant type: single nucleotide variant.
Coding change: c.1194C>G on transcript NM_000312.4 (MANE Select); coding-DNA position 1194, C replaced by G.
Protein change: p.Cys398Trp; replaces cysteine 398 with tryptophan.
Molecular consequence: missense variant.
Genome position (GRCh38, 1-based): chr2:127,428,754, C>G. VCF-style: chr2-127428754-C-G. GRCh37 (hg19) VCF-style: chr2-128186330-C-G.
Other names: p.Cys398Trp; c.1296C>G, p.Cys432Trp (NM_001375605.1); c.1362C>G, p.Cys454Trp (NM_001375606.1); c.1380C>G, p.Cys460Trp (NM_001375607.1); c.1137C>G, p.Cys379Trp (NM_001375608.1); c.1170C>G, p.Cys390Trp (NM_001375609.1); c.1188C>G, p.Cys396Trp (NM_001375610.1); c.1194C>G, p.Cys398Trp (NM_001375611.1, NM_001375613.1); and 3 more; short protein forms C379W, C390W, C398W, C432W, C453W, C460W, C396W, C419W.
Identifiers: ClinVar variation 4540675 (VCV004540675.1).
Genomic context (GRCh38, chr2:127,428,754, plus strand): 5'-CAACATGGTGTCTGAGAACATGCTGTGTGCGGGCATCCTCGGGGACCGGCAGGATGCCTG[C>G]GAGGGCGACAGTGGGGGGCCCATGGTCGCCTCCTTCCACGGCACCTGGTTCCTGGTGGGC-3'
Protein context (NP_000303.1, residues 388-408): AGILGDRQDA[Cys398Trp]EGDSGGPMVA